The following is an entry in ClinVar:

ClinVar aggregate classification (germline): Uncertain significance (1 of 4 stars; one submission).

Conditions:
Malignant hyperthermia, susceptibility to, 5 (MHS5). Also called: CACNA1S-Related Malignant Hyperthermia Susceptibility. Identifiers: Orphanet 423, MedGen C1866077, MONDO:0011163, OMIM 601887.

gnomAD v4.1: 3 of 1,614,188 alleles (0.00019%); highest among the groups gnomAD compares: Non-Finnish European, 0.00025%; no homozygotes.

Submission:

All of Us Research Program, National Institutes of Health
Classification: Uncertain significance for Malignant hyperthermia, susceptibility to, 5. Last evaluated: 2023-04-03. Review status: criteria provided, single submitter. Criteria: ACMG Guidelines, 2015. Collection method: clinical testing. Allele origin: germline. Inheritance: Autosomal dominant inheritance. Observed: 1 variant allele, 1 heterozygote.
Comment: This missense variant replaces valine with phenylalanine at codon 297 of the CACNA1S protein. Computational prediction suggests that this variant may have deleterious impact on protein structure and function (internally defined REVEL score threshold >= 0.7, PMID: 27666373). To our knowledge, functional studies have not been reported for this variant. This variant has not been reported in individuals affected with CACNA1S-related disorders in the literature. This variant has been identified in 1/251288 chromosomes in the general population by the Genome Aggregation Database (gnomAD). The available evidence is insufficient to determine the role of this variant in disease conclusively. Therefore, this variant is classified as a Variant of Uncertain Significance.

This study involves interpretation of variants in research participants for the purpose of population health screening. Participant phenotype was not available at the time of variant classification. Additional details can be found in publication PMID: 35346344, PMCID: PMC8962531

NM_000069.3(CACNA1S):c.889G>T (p.Val297Phe)

Gene: CACNA1S (calcium voltage-gated channel subunit alpha1 S; minus strand). Cytogenetic location: 1q32.1.
Variant type: single nucleotide variant.
Coding change: c.889G>T on transcript NM_000069.3 (MANE Select); coding-DNA position 889, G replaced by T.
Protein change: p.Val297Phe; replaces valine 297 with phenylalanine.
Molecular consequence: missense variant.
Genome position (GRCh38, 1-based): chr1:201,089,269, C>A on the plus strand (G>T on the coding strand, the complement: CACNA1S is on the minus strand). VCF-style: chr1-201089269-C-A. GRCh37 (hg19) VCF-style: chr1-201058397-C-A.
Other names: short protein forms V297F.
Identifiers: ClinVar variation 3070203 (VCV003070203.1), dbSNP rs138205421, ClinGen allele CA084031.